The following is an entry in ClinVar:

NM_030665.4(RAI1):c.1463A>C (p.Tyr488Ser)

Gene: RAI1 (retinoic acid induced 1; plus strand). Cytogenetic location: 17p11.2.
Variant type: single nucleotide variant.
Coding change: c.1463A>C on transcript NM_030665.4 (MANE Select); coding-DNA position 1463, A replaced by C.
Protein change: p.Tyr488Ser; replaces tyrosine 488 with serine.
Molecular consequence: missense variant.
Genome position (GRCh38, 1-based): chr17:17,794,411, A>C. VCF-style: chr17-17794411-A-C. GRCh37 (hg19) VCF-style: chr17-17697725-A-C.
Other names: short protein forms Y488S.
Identifiers: ClinVar variation 4991043 (VCV004991043.1).

ClinVar aggregate classification (germline): Uncertain significance (1 of 4 stars; one submission).

Conditions:
RAI1-related disorder. Also called: RAI1-related condition.

Submission:

PreventionGenetics, part of Exact Sciences
Classification: Uncertain significance for RAI1-related condition. Last evaluated: 2026-02-10. Review status: criteria provided, single submitter. Criteria: ACMG Guidelines, 2015. Collection method: clinical testing. Allele origin: germline.
Comment: The RAI1 c.1463A>C variant is predicted to result in the amino acid substitution p.Tyr488Ser. To our knowledge, this variant has not been reported in the literature or in a large population database (gnomAD), indicating this variant is rare. At this time, the clinical significance of this variant is uncertain due to the absence of conclusive functional and genetic evidence.